The following is an entry in ClinVar:

ClinVar aggregate classification (germline): Benign. Review status: criteria provided, multiple submitters, no conflicts (2 of 4 stars). 4 submissions from 4 submitters: Benign (4). Last evaluated 2024-07-15.

Conditions:
Finnish congenital nephrotic syndrome (NPHS1). Also called: NEPHROTIC SYNDROME, TYPE 1. Identifiers: Orphanet 839, MedGen C0403399, MONDO:0009732, OMIM 256300.

Allele frequency attached by ClinVar (database versions not stated): gnomAD exomes 0.30549 and 0.33034; ExAC 0.33534; gnomAD 0.38721 and 0.39360; 1000 Genomes Project 0.39058; ESP Exome Variant Server 0.39451; 1000 Genomes Project 30x 0.39913; TOPMed 0.40902.

Submissions (4):

Unidad de Genómica Garrahan, Hospital de Pediatría Garrahan
Classification: Benign. Last evaluated: 2024-07-15. Review status: criteria provided, single submitter. Criteria: ACMG Guidelines, 2015. Collection method: clinical testing. Allele origin: germline. Affected: no. Observed: 61 variant alleles.
Comment: This variant is classified as Benign based on local population frequency. This variant was detected in 66% of patients studied in a panel designed for Epileptic and Developmental Encephalopathy and Progressive Myoclonus Epilepsy. Number of patients: 61. Only high quality variants are reported.

Genome-Nilou Lab
Classification: Benign for Finnish congenital nephrotic syndrome. Last evaluated: 2021-06-10. Review status: criteria provided, single submitter. Criteria: ACMG Guidelines, 2015. Collection method: clinical testing. Allele origin: germline. Affected: no.

GeneDx
Classification: Benign. Last evaluated: 2018-11-12. Review status: criteria provided, single submitter. Criteria: GeneDx Variant Classification Process June 2021. Collection method: clinical testing. Allele origin: germline. Affected: yes.

Breakthrough Genomics
Classification: Benign. Review status: criteria provided, single submitter. Criteria: ACMG Guidelines, 2015. Collection method: not provided. Allele origin: germline. Inheritance: Autosomal recessive inheritance. Affected: yes.

NM_004646.4(NPHS1):c.3286+36C>T

Gene: NPHS1 (NPHS1 adhesion molecule, nephrin; minus strand). Cytogenetic location: 19q13.12.
Variant type: single nucleotide variant.
Coding change: c.3286+36C>T on transcript NM_004646.4 (MANE Select); 36 bases into the intron after coding-DNA position 3286, C replaced by T.
Molecular consequence: intron variant.
Genome position (GRCh38, 1-based): chr19:35,831,607, G>A on the plus strand (C>T on the coding strand, the complement: NPHS1 is on the minus strand). VCF-style: chr19-35831607-G-A. GRCh37 (hg19) VCF-style: chr19-36322509-G-A.
Identifiers: ClinVar variation 1172963 (VCV001172963.6), dbSNP rs466452, ClinGen allele CA9389845.